The following is an entry in ClinVar:

NM_001009944.3(PKD1):c.7043_7046del (p.Lys2348fs)

Gene: PKD1 (polycystin 1, transient receptor potential channel interacting; minus strand). Cytogenetic location: 16p13.3.
Variant type: Deletion.
Coding change: c.7043_7046del on transcript NM_001009944.3 (MANE Select); coding-DNA positions 7043 to 7046, 4 bases deleted (AGGA; older notation c.7043_7046delAGGA).
Protein change: p.Lys2348fs; shifts the reading frame from lysine 2348.
Molecular consequence: frameshift variant.
Genome position (GRCh38, 1-based): chr16:2,107,902-2,107,905, TCCT deleted on the plus strand (AGGA on the coding strand, the reverse complement: PKD1 is on the minus strand); deleting any 4 consecutive bases within chr16:2,107,902-2,107,906 gives the same sequence; the c. name uses the placement nearest the transcript's 3' end. VCF-style (leftmost placement, unchanged base first): chr16-2107901-CTCCT-C. GRCh37 (hg19) VCF-style: chr16-2157902-CTCCT-C.
Other names: c.7043_7046del, p.Lys2348fs (NM_000296.4); c.7043_7046delAGGA (NM_001009944.2); short protein forms K2348fs.
Identifiers: ClinVar variation 4998913 (VCV004998913.1).

ClinVar aggregate classification (germline): Likely pathogenic (1 of 4 stars; one submission).

Conditions:
PKD1-related disorder. Also called: PKD1-related condition.

Submission:

PreventionGenetics, part of Exact Sciences
Classification: Likely pathogenic for PKD1-related condition. Last evaluated: 2025-03-28. Review status: criteria provided, single submitter. Criteria: ACMG Guidelines, 2015. Collection method: clinical testing. Allele origin: germline.
Comment: The PKD1 c.7043_7046delAGGA variant is predicted to result in a frameshift and premature protein termination (p.Lys2348Argfs*9). To our knowledge, this variant has not been reported in the literature or in a large population database (gnomAD), indicating this variant is rare. Frameshift variants in PKD1 are expected to be pathogenic. This variant is interpreted as likely pathogenic.